The following is an entry in ClinVar:

ClinVar aggregate classification (germline): Conflicting classifications of pathogenicity. Review status: criteria provided, conflicting classifications (1 of 4 stars). 8 submissions from 8 submitters: Uncertain significance (2); Likely benign (5). 1 of the submissions does not count toward it. Last evaluated 2025-09-01.

Conditions:
SLC13A5-related disorder. Also called: SLC13A5-related condition.
Developmental and epileptic encephalopathy, 25 (DEE25). Also called: Epileptic encephalopathy, early infantile, 25; Developmental and epileptic encephalopathy 25, with amelogenesis imperfecta; Epileptic encephalopathy, early infantile, 25, with amelogenesis imperfecta. Identifiers: Orphanet 442835, MedGen C4014621, MONDO:0014392, OMIM 615905.

Allele frequency attached by ClinVar (database versions not stated): 1000 Genomes Project 0.00020; 1000 Genomes Project 30x 0.00047; gnomAD exomes 0.00089; gnomAD 0.00091 and 0.00092; TOPMed 0.00091; ExAC 0.00092; ESP Exome Variant Server 0.00161.
gnomAD v4.1: 2,128 of 1,613,722 alleles (0.13%); highest among the groups gnomAD compares: Non-Finnish European, 0.16%; 2 homozygotes.

Submissions (8):

CeGaT Center for Human Genetics Tuebingen
Classification: Likely benign. Last evaluated: 2025-09-01. Review status: criteria provided, single submitter. Criteria: CeGaT Center For Human Genetics Tuebingen Variant Classification Criteria Version 2. Collection method: clinical testing. Allele origin: germline. Affected: yes. Observed: 6 variant alleles.
Comment: SLC13A5: BP4, BS2

Mayo Clinic Laboratories, Mayo Clinic
Classification: Likely benign. Last evaluated: 2025-04-28. Review status: criteria provided, single submitter. Criteria: ACMG Guidelines, 2015. Collection method: clinical testing. Allele origin: germline. Observed: 1 variant allele.
Comment: BP4, BP7

Blueprint Genetics
Classification: Likely benign. Last evaluated: 2024-11-23. Review status: criteria provided, single submitter. Criteria: ACMG Guidelines, 2015. Collection method: clinical testing. Allele origin: germline.

Labcorp Genetics (formerly Invitae), Labcorp
Classification: Uncertain significance for Developmental and epileptic encephalopathy, 25. Last evaluated: 2024-01-17. Review status: criteria provided, single submitter. Criteria: Invitae Variant Classification Sherloc (09022015). Collection method: clinical testing. Allele origin: germline.
Comment: This sequence change falls in intron 2 of the SLC13A5 gene. It does not directly change the encoded amino acid sequence of the SLC13A5 protein. It affects a nucleotide within the consensus splice site. This variant is present in population databases (rs138834680, gnomAD 0.1%), and has an allele count higher than expected for a pathogenic variant. This variant has not been reported in the literature in individuals affected with SLC13A5-related conditions. ClinVar contains an entry for this variant (Variation ID: 383664). Variants that disrupt the consensus splice site are a relatively common cause of aberrant splicing (PMID: 17576681, 9536098). Algorithms developed to predict the effect of sequence changes on RNA splicing suggest that this variant is not likely to affect RNA splicing. In summary, the available evidence is currently insufficient to determine the role of this variant in disease. Therefore, it has been classified as a Variant of Uncertain Significance.

Genome-Nilou Lab
Classification: Likely benign for Developmental and epileptic encephalopathy, 25. Last evaluated: 2021-07-15. Review status: criteria provided, single submitter. Criteria: ACMG Guidelines, 2015. Collection method: clinical testing. Allele origin: germline. Affected: no.

GeneDx
Classification: Likely benign. Last evaluated: 2020-05-26. Review status: criteria provided, single submitter. Criteria: GeneDx Variant Classification Process June 2021. Collection method: clinical testing. Allele origin: germline. Affected: yes.

Genetic Services Laboratory, University of Chicago
Classification: Uncertain significance. Last evaluated: 2017-11-21. Review status: criteria provided, single submitter. Criteria: ACMG Guidelines, 2015. Collection method: clinical testing. Allele origin: germline. Affected: no.

PreventionGenetics, part of Exact Sciences
Classification: Likely benign for SLC13A5-related condition. Last evaluated: 2024-06-03. Review status: no assertion criteria provided. Collection method: clinical testing. Allele origin: germline. Not counted in ClinVar's aggregate classification.
Comment: This variant is classified as likely benign based on ACMG/AMP sequence variant interpretation guidelines (Richards et al. 2015 PMID: 25741868, with internal and published modifications).

Literature cited by the submitters: PubMed 17576681 (cited by Labcorp Genetics (formerly Invitae), Labcorp); PubMed 9536098 (cited by Labcorp Genetics (formerly Invitae), Labcorp).

NM_177550.5(SLC13A5):c.231+6C>A

Gene: SLC13A5 (solute carrier family 13 member 5; minus strand). Cytogenetic location: 17p13.1.
Variant type: single nucleotide variant.
Coding change: c.231+6C>A on transcript NM_177550.5 (MANE Select); 6 bases into the intron after coding-DNA position 231, C replaced by A.
Molecular consequence: intron variant.
Genome position (GRCh38, 1-based): chr17:6,707,022, G>T on the plus strand (C>A on the coding strand, the complement: SLC13A5 is on the minus strand). VCF-style: chr17-6707022-G-T. GRCh37 (hg19) VCF-style: chr17-6610341-G-T.
Other names: p.?; c.103-244C>A (NM_001284510.2); c.231+6C>A (NM_001284509.2, NM_001143838.3).
Identifiers: ClinVar variation 383664 (VCV000383664.55), dbSNP rs138834680, ClinGen allele CA8331847.